The following is an entry in ClinVar:

NM_001378457.1(DMXL2):c.7196A>G (p.Gln2399Arg)

Gene: DMXL2 (Dmx like 2; minus strand). Cytogenetic location: 15q21.2.
Variant type: single nucleotide variant.
Coding change: c.7196A>G on transcript NM_001378457.1 (MANE Select); coding-DNA position 7196, A replaced by G.
Protein change: p.Gln2399Arg; replaces glutamine 2399 with arginine.
Molecular consequence: missense variant. On other transcripts: non-coding transcript variant (2).
Genome position (GRCh38, 1-based): chr15:51,474,361, T>C on the plus strand (A>G on the coding strand, the complement: DMXL2 is on the minus strand). VCF-style: chr15-51474361-T-C. GRCh37 (hg19) VCF-style: chr15-51766558-T-C.
Other names: c.7196A>G, p.Gln2399Arg (NM_001174116.3, NM_001378459.1, NM_001378461.1 and 1 more transcripts); c.5285A>G, p.Gln1762Arg (NM_001174117.3); c.7193A>G, p.Gln2398Arg (NM_001378458.1, NM_001378462.1, NM_015263.5); c.5174A>G, p.Gln1725Arg (NM_001378460.1); c.6953A>G, p.Gln2318Arg (NM_001378464.1); short protein forms Q1762R, Q2318R, Q1725R, Q2399R, Q2398R.
Identifiers: ClinVar variation 1923979 (VCV001923979.5), dbSNP rs2548424763, ClinGen allele CA392440909.

ClinVar aggregate classification (germline): Uncertain significance (1 of 4 stars; one submission).

Allele frequency attached by ClinVar (database versions not stated): gnomAD exomes below 0.00001.

Submission:

Labcorp Genetics (formerly Invitae), Labcorp
Classification: Uncertain significance. Last evaluated: 2022-08-12. Review status: criteria provided, single submitter. Criteria: Invitae Variant Classification Sherloc (09022015). Collection method: clinical testing. Allele origin: germline.
Comment: In summary, the available evidence is currently insufficient to determine the role of this variant in disease. Therefore, it has been classified as a Variant of Uncertain Significance. Algorithms developed to predict the effect of missense changes on protein structure and function (SIFT, PolyPhen-2, Align-GVGD) all suggest that this variant is likely to be tolerated. This variant has not been reported in the literature in individuals affected with DMXL2-related conditions. This variant is not present in population databases (gnomAD no frequency). This sequence change replaces glutamine, which is neutral and polar, with arginine, which is basic and polar, at codon 2399 of the DMXL2 protein (p.Gln2399Arg).